The following is an entry in ClinVar:

ClinVar aggregate classification (germline): Conflicting classifications of pathogenicity. Review status: criteria provided, conflicting classifications (1 of 4 stars). 2 submissions from 2 submitters: Uncertain significance (1); Likely benign (1). Last evaluated 2026-07-10.

Conditions:
Hereditary cancer-predisposing syndrome. Also called: Hereditary Cancer Syndrome; Hereditary neoplastic syndrome; Neoplastic Syndromes, Hereditary; Tumor predisposition. Identifiers: Orphanet 140162, MedGen C0027672, MeSH D009386, MONDO:0015356.
Renal cell carcinoma. Identifiers: Orphanet 217071, MedGen C0007134, MeSH D002292, MONDO:0005086, HP:0005584.

gnomAD v4.1: 1 of 1,613,438 alleles (0.000062%); highest among the groups gnomAD compares: South Asian, 0.0011%; no homozygotes.

Submissions (2):

Ambry Genetics
Classification: Likely benign for Hereditary cancer-predisposing syndrome. Last evaluated: 2026-07-10. Review status: criteria provided, single submitter. Criteria: Ambry Variant Classification Scheme 2023. Collection method: clinical testing. Allele origin: germline.

Labcorp Genetics (formerly Invitae), Labcorp
Classification: Uncertain significance for Renal cell carcinoma. Last evaluated: 2025-02-07. Review status: criteria provided, single submitter. Criteria: Invitae Variant Classification Sherloc (09022015). Collection method: clinical testing. Allele origin: germline.
Comment: This sequence change replaces glycine, which is neutral and non-polar, with arginine, which is basic and polar, at codon 801 of the MET protein (p.Gly801Arg). This variant is not present in population databases (gnomAD no frequency). This variant has not been reported in the literature in individuals affected with MET-related conditions. Invitae Evidence Modeling of protein sequence and biophysical properties (such as structural, functional, and spatial information, amino acid conservation, physicochemical variation, residue mobility, and thermodynamic stability) indicates that this missense variant is not expected to disrupt MET protein function with a negative predictive value of 80%. In summary, the available evidence is currently insufficient to determine the role of this variant in disease. Therefore, it has been classified as a Variant of Uncertain Significance.

NM_000245.4(MET):c.2347G>A (p.Gly783Arg)

Gene: MET (MET proto-oncogene, receptor tyrosine kinase; plus strand). Cytogenetic location: 7q31.2.
Variant type: single nucleotide variant.
Coding change: c.2347G>A on transcript NM_000245.4 (MANE Select); coding-DNA position 2347, G replaced by A.
Protein change: p.Gly783Arg; replaces glycine 783 with arginine.
Molecular consequence: missense variant.
Genome position (GRCh38, 1-based): chr7:116,759,473, G>A. VCF-style: chr7-116759473-G-A. GRCh37 (hg19) VCF-style: chr7-116399527-G-A.
Other names: c.2401G>A, p.Gly801Arg (NM_001127500.3); c.2347G>A, p.Gly783Arg (NM_001324401.3); c.1057G>A, p.Gly353Arg (NM_001324402.2); short protein forms G353R, G801R, G783R.
Identifiers: ClinVar variation 4647633 (VCV004647633.3).